The following is an entry in ClinVar:

ClinVar aggregate classification (germline): Uncertain significance. Review status: criteria provided, multiple submitters, no conflicts (2 of 4 stars). 2 submissions from 2 submitters: Uncertain significance (2). Last evaluated 2024-04-09.

Conditions:
Rubinstein-Taybi syndrome (RSTS). Identifiers: Orphanet 783, MedGen C0035934, MONDO:0019188.
Rubinstein-Taybi syndrome due to CREBBP mutations (RSTS1). Also called: RUBINSTEIN SYNDROME; BROAD THUMBS AND GREAT TOES, CHARACTERISTIC FACIES, AND IMPAIRED INTELLECTUAL DEVELOPMENT; RUBINSTEIN-TAYBI SYNDROME 1, INCOMPLETE; CREBBP-Related Rubinstein-Taybi Syndrome; BROAD THUMB-HALLUX SYNDROME; Rubinstein-Taybi syndrome 1. Identifiers: Orphanet 353277, Orphanet 783, MedGen C4551859, MONDO:0008393, OMIM 180849.
Menke-Hennekam syndrome 1 (MKHK1). Identifiers: MedGen C5193034, MONDO:0020763, OMIM 618332.

Submissions (2):

Fulgent Genetics
Classification: Uncertain significance for Rubinstein-Taybi syndrome due to CREBBP mutations; Menke-Hennekam syndrome 1. Last evaluated: 2024-04-09. Review status: criteria provided, single submitter. Criteria: ACMG Guidelines, 2015. Collection method: clinical testing. Allele origin: germline.

Labcorp Genetics (formerly Invitae), Labcorp
Classification: Uncertain significance for Rubinstein-Taybi syndrome. Last evaluated: 2024-02-12. Review status: criteria provided, single submitter. Criteria: Invitae Variant Classification Sherloc (09022015). Collection method: clinical testing. Allele origin: germline.
Comment: This variant, c.6909_6910delinsTA, is a complex sequence change that results in the deletion of 2 and insertion of 2 amino acid(s) in the CREBBP protein (p.Gln2303_Gln2304delinsHisLys). Information on the frequency of this variant in the gnomAD database is not available, as this variant may be reported differently in the database. This variant has not been reported in the literature in individuals affected with CREBBP-related conditions. Experimental studies and prediction algorithms are not available or were not evaluated, and the functional significance of this variant is currently unknown. In summary, the available evidence is currently insufficient to determine the role of this variant in disease. Therefore, it has been classified as a Variant of Uncertain Significance.

NM_004380.3(CREBBP):c.6909_6910delinsTA (p.Gln2303_Gln2304delinsHisLys)

Gene: CREBBP (CREB binding lysine acetyltransferase; minus strand). Cytogenetic location: 16p13.3.
Variant type: Indel.
Coding change: c.6909_6910delinsTA on transcript NM_004380.3 (MANE Select); coding-DNA positions 6909 to 6910, GC replaced by TA.
Protein change: p.Gln2303_Gln2304delinsHisLys.
Molecular consequence: missense variant.
Genome position (GRCh38, 1-based): chr16:3,728,137-3,728,138, GC replaced by TA on the plus strand (GC replaced by TA on the coding strand, the reverse complement: CREBBP is on the minus strand). VCF-style: chr16-3728137-GC-TA. GRCh37 (hg19) VCF-style: chr16-3778138-GC-TA.
Other names: c.6795_6796delinsTA, p.Gln2265_Gln2266delinsHisLys (NM_001079846.1).
Identifiers: ClinVar variation 2901268 (VCV002901268.4), dbSNP rs2548343231, ClinGen allele CA2739269967.